The following is an entry in ClinVar:

NM_001127198.5(TMC6):c.82A>T (p.Ser28Cys)

Gene: TMC6 (transmembrane channel like 6; minus strand). Cytogenetic location: 17q25.3.
Variant type: single nucleotide variant.
Coding change: c.82A>T on transcript NM_001127198.5 (MANE Select); coding-DNA position 82, A replaced by T.
Protein change: p.Ser28Cys; replaces serine 28 with cysteine.
Molecular consequence: missense variant. On other transcripts: non-coding transcript variant (4).
Genome position (GRCh38, 1-based): chr17:78,126,623, T>A on the plus strand (A>T on the coding strand, the complement: TMC6 is on the minus strand). VCF-style: chr17-78126623-T-A. GRCh37 (hg19) VCF-style: chr17-76122704-T-A.
Other names: c.82A>T, p.Ser28Cys (NM_001321185.1, NM_001374593.1, NM_001374594.1 and 4 more transcripts); short protein forms S28C.
Identifiers: ClinVar variation 2125922 (VCV002125922.4), dbSNP rs2510690267, ClinGen allele CA401236838.

ClinVar aggregate classification (germline): Uncertain significance (1 of 4 stars; one submission).

Conditions:
Epidermodysplasia verruciformis. Identifiers: Orphanet 302, MedGen C0014522, MONDO:0009176.

Submission:

Labcorp Genetics (formerly Invitae), Labcorp
Classification: Uncertain significance for Epidermodysplasia verruciformis. Last evaluated: 2022-04-13. Review status: criteria provided, single submitter. Criteria: Invitae Variant Classification Sherloc (09022015). Collection method: clinical testing. Allele origin: germline.
Comment: This variant has not been reported in the literature in individuals affected with TMC6-related conditions. Algorithms developed to predict the effect of missense changes on protein structure and function are either unavailable or do not agree on the potential impact of this missense change (SIFT: "Not Available"; PolyPhen-2: "Possibly Damaging"; Align-GVGD: "Not Available"). In summary, the available evidence is currently insufficient to determine the role of this variant in disease. Therefore, it has been classified as a Variant of Uncertain Significance. This variant is not present in population databases (gnomAD no frequency). This sequence change replaces serine, which is neutral and polar, with cysteine, which is neutral and slightly polar, at codon 28 of the TMC6 protein (p.Ser28Cys).